The following is an entry in ClinVar:

ClinVar aggregate classification (germline): Uncertain significance (1 of 4 stars; one submission).

Submission:

Ambry Genetics
Classification: Uncertain significance. Last evaluated: 2023-12-15. Review status: criteria provided, single submitter. Criteria: Ambry Variant Classification Scheme 2023. Collection method: clinical testing. Allele origin: germline.
Comment: The p.D382Y variant (also known as c.1144G>T), located in coding exon 9 of the RECQL gene, results from a G to T substitution at nucleotide position 1144. The aspartic acid at codon 382 is replaced by tyrosine, an amino acid with highly dissimilar properties. This amino acid position is conserved. In addition, this alteration is predicted to be deleterious by in silico analysis. Since supporting evidence is limited at this time, the clinical significance of this alteration remains unclear.

NM_002907.4(RECQL):c.1144G>T (p.Asp382Tyr)

Gene: RECQL (RecQ like helicase; minus strand). Cytogenetic location: 12p12.1.
Variant type: single nucleotide variant.
Coding change: c.1144G>T on transcript NM_002907.4 (MANE Select); coding-DNA position 1144, G replaced by T.
Protein change: p.Asp382Tyr; replaces aspartic acid 382 with tyrosine.
Molecular consequence: missense variant.
Genome position (GRCh38, 1-based): chr12:21,475,540, C>A on the plus strand (G>T on the coding strand, the complement: RECQL is on the minus strand). VCF-style: chr12-21475540-C-A. GRCh37 (hg19) VCF-style: chr12-21628474-C-A.
Other names: c.1144G>T, p.Asp382Tyr (NM_032941.3); short protein forms D382Y.
Identifiers: ClinVar variation 3222923 (VCV003222923.1), dbSNP rs766978209, ClinGen allele CA384119913.